The following is an entry in ClinVar:

ClinVar aggregate classification (germline): Likely pathogenic (1 of 4 stars; one submission).

Conditions:
Autosomal recessive limb-girdle muscular dystrophy type 2J (LGMDR10). Also called: Limb-girdle muscular dystrophy, type 2J; MUSCULAR DYSTROPHY, LIMB-GIRDLE, AUTOSOMAL RECESSIVE 10. Identifiers: Orphanet 140922, MedGen C1837342, MONDO:0012127, OMIM 608807.
Dilated cardiomyopathy 1G (CMD1G). Identifiers: Orphanet 154, MedGen C1858763, MONDO:0011400, OMIM 604145.

Submission:

Labcorp Genetics (formerly Invitae), Labcorp
Classification: Likely pathogenic for Dilated cardiomyopathy 1G; Autosomal recessive limb-girdle muscular dystrophy type 2J. Last evaluated: 2023-10-13. Review status: criteria provided, single submitter. Criteria: Invitae Variant Classification Sherloc (09022015). Collection method: clinical testing. Allele origin: germline.
Comment: This sequence change creates a premature translational stop signal (p.Glu16257Argfs*21) in the TTN gene. While this is not anticipated to result in nonsense mediated decay, it is expected to create a truncated TTN protein. This variant is not present in population databases (gnomAD no frequency). This variant has not been reported in the literature in individuals affected with TTN-related conditions. This variant is located in the A band of TTN (PMID: 25589632). Truncating variants in this region are significantly overrepresented in patients affected with dilated cardiomyopathy (PMID: 25589632). Truncating variants in this region have also been reported in individuals affected with autosomal recessive centronuclear myopathy (PMID: 23975875). In summary, the currently available evidence indicates that the variant is pathogenic, but additional data are needed to prove that conclusively. Therefore, this variant has been classified as Likely Pathogenic.

Literature cited by the submitters: PubMed 25589632; PubMed 23975875.

NM_001267550.2(TTN):c.48767dup (p.Glu16257fs)

Genes: TTN (titin; minus strand), TTN-AS1 (TTN antisense RNA 1; plus strand), LOC126806426 (BRD4-independent group 4 enhancer GRCh37_chr2:179478848-179480047; plus strand). Cytogenetic location: 2q31.2.
Variant type: Duplication.
Coding change: c.48767dup on transcript NM_001267550.2 (MANE Select); coding-DNA position 48767, one base duplicated (C; older notation c.48767dupC).
Protein change: p.Glu16257fs; shifts the reading frame from glutamic acid 16257.
Molecular consequence: frameshift variant. On other transcripts: non-coding transcript variant (1).
Genome position (GRCh38, 1-based): chr2:178,614,747, G duplicated on the plus strand (C on the coding strand, the reverse complement: TTN is on the minus strand); the first of 4 consecutive G bases (chr2:178,614,747-178,614,750); duplicating any one gives the same sequence. VCF-style (leftmost placement, unchanged base first): chr2-178614746-T-TG. GRCh37 (hg19) VCF-style: chr2-179479473-T-TG.
Other names: c.43844dup, p.Glu14616fs (NM_001256850.1); c.21572dup, p.Glu7192fs (NM_003319.4); c.41063dup, p.Glu13689fs (NM_133378.4); c.21947dup, p.Glu7317fs (NM_133432.3); c.22148dup, p.Glu7384fs (NM_133437.4); short protein forms E13689fs, E14616fs, E7192fs, E16257fs, E7317fs, E7384fs.
Identifiers: ClinVar variation 2952819 (VCV002952819.3), dbSNP rs2470684822, ClinGen allele CA2740096139.
Genomic context (GRCh38, chr2:178,614,746, plus strand): 5'-AATCTTGGTCCCAGCTTTTACAGTGAGACCAGCAAGGAGCTTCACATCGAGGAAGATTTC[T>TG]GGGGCCTCTGAATTGGAAAAGATTATTTATGATGTTATCAAGTTCAAGCAGATTTAAGGT-3'